The following is an entry in ClinVar:

ClinVar aggregate classification (germline): Uncertain significance. Review status: criteria provided, multiple submitters, no conflicts (2 of 4 stars). 2 submissions from 2 submitters: Uncertain significance (2). Last evaluated 2025-04-12.

Conditions:
Colorectal cancer, hereditary nonpolyposis, type 7. Identifiers: Orphanet 144, MedGen C1858380, MONDO:0013725, OMIM 614385.

Submissions (2):

Ambry Genetics
Classification: Uncertain significance. Last evaluated: 2025-04-12. Review status: criteria provided, single submitter. Criteria: Ambry Variant Classification Scheme 2023. Collection method: clinical testing. Allele origin: germline.
Comment: The p.S236G variant (also known as c.706A>G), located in coding exon 1 of the MLH3 gene, results from an A to G substitution at nucleotide position 706. The serine at codon 236 is replaced by glycine, an amino acid with similar properties. This amino acid position is conserved. In addition, this alteration is predicted to be tolerated by in silico analysis. Since supporting evidence is limited at this time, the clinical significance of this alteration remains unclear.

Labcorp Genetics (formerly Invitae), Labcorp
Classification: Uncertain significance for Colorectal cancer, hereditary nonpolyposis, type 7. Last evaluated: 2024-08-05. Review status: criteria provided, single submitter. Criteria: Invitae Variant Classification Sherloc (09022015). Collection method: clinical testing. Allele origin: germline.
Comment: This sequence change replaces serine, which is neutral and polar, with glycine, which is neutral and non-polar, at codon 236 of the MLH3 protein (p.Ser236Gly). This variant is not present in population databases (gnomAD no frequency). This variant has not been reported in the literature in individuals affected with MLH3-related conditions. ClinVar contains an entry for this variant (Variation ID: 1756981). An algorithm developed to predict the effect of missense changes on protein structure and function outputs the following: PolyPhen-2: "Benign". The glycine amino acid residue is found in multiple mammalian species, which suggests that this missense change does not adversely affect protein function. In summary, the available evidence is currently insufficient to determine the role of this variant in disease. Therefore, it has been classified as a Variant of Uncertain Significance.

NM_001040108.2(MLH3):c.706A>G (p.Ser236Gly)

Gene: MLH3 (mutL homolog 3; minus strand). Cytogenetic location: 14q24.3.
Variant type: single nucleotide variant.
Coding change: c.706A>G on transcript NM_001040108.2 (MANE Select); coding-DNA position 706, A replaced by G.
Protein change: p.Ser236Gly; replaces serine 236 with glycine.
Molecular consequence: missense variant.
Genome position (GRCh38, 1-based): chr14:75,048,950, T>C on the plus strand (A>G on the coding strand, the complement: MLH3 is on the minus strand). VCF-style: chr14-75048950-T-C. GRCh37 (hg19) VCF-style: chr14-75515653-T-C.
Other names: c.706A>G, p.Ser236Gly (NM_014381.3); short protein forms S236G.
Identifiers: ClinVar variation 1756981 (VCV001756981.5), dbSNP rs2503319432, ClinGen allele CA390449527.